The following is an entry in ClinVar:

ClinVar aggregate classification (germline): Uncertain significance. Review status: criteria provided, multiple submitters, no conflicts (2 of 4 stars). 2 submissions from 2 submitters: Uncertain significance (2). Last evaluated 2022-06-26.

Allele frequency attached by ClinVar (database versions not stated): gnomAD 0.00001; gnomAD exomes below 0.00001.
gnomAD v4.1: 7 of 1,613,664 alleles (0.00043%); highest among the groups gnomAD compares: East Asian, 0.0045%; no homozygotes.

Submissions (2):

Labcorp Genetics (formerly Invitae), Labcorp
Classification: Uncertain significance. Last evaluated: 2022-06-26. Review status: criteria provided, single submitter. Criteria: Invitae Variant Classification Sherloc (09022015). Collection method: clinical testing. Allele origin: germline.
Comment: This sequence change replaces serine, which is neutral and polar, with leucine, which is neutral and non-polar, at codon 685 of the ADGRG1 protein (p.Ser685Leu). This variant is present in population databases (no rsID available, gnomAD 0.005%). This variant has not been reported in the literature in individuals affected with ADGRG1-related conditions. ClinVar contains an entry for this variant (Variation ID: 1163389). Algorithms developed to predict the effect of missense changes on protein structure and function are either unavailable or do not agree on the potential impact of this missense change (SIFT: "Tolerated"; PolyPhen-2: "Probably Damaging"; Align-GVGD: "Class C0"). In summary, the available evidence is currently insufficient to determine the role of this variant in disease. Therefore, it has been classified as a Variant of Uncertain Significance.

Mayo Clinic Laboratories, Mayo Clinic
Classification: Uncertain significance. Last evaluated: 2019-05-20. Review status: criteria provided, single submitter. Criteria: ACMG Guidelines, 2015. Collection method: clinical testing. Allele origin: germline. Observed: 1 variant allele.

NM_201525.4(ADGRG1):c.2036C>T (p.Ser679Leu)

Gene: ADGRG1 (adhesion G protein-coupled receptor G1; plus strand). Cytogenetic location: 16q21.
Variant type: single nucleotide variant.
Coding change: c.2036C>T on transcript NM_201525.4 (MANE Select); coding-DNA position 2036, C replaced by T.
Protein change: p.Ser679Leu; replaces serine 679 with leucine.
Molecular consequence: missense variant.
Genome position (GRCh38, 1-based): chr16:57,663,554, C>T. VCF-style: chr16-57663554-C-T. GRCh37 (hg19) VCF-style: chr16-57697466-C-T.
Other names: c.2051C>T, p.Ser684Leu (NM_001145773.3, NM_001370433.1, NM_001370434.1); c.2036C>T, p.Ser679Leu (NM_001145774.3, NM_001370435.1, NM_001370436.1 and 7 more transcripts); c.1544C>T, p.Ser515Leu (NM_001290142.2); c.1529C>T, p.Ser510Leu (NM_001290143.2); c.1511C>T, p.Ser504Leu (NM_001290144.2, NM_001370451.1, NM_001370453.1 and 1 more transcripts); c.2054C>T, p.Ser685Leu (NM_001370428.1, NM_001370429.1, NM_001370430.1 and 4 more transcripts); c.2033C>T, p.Ser678Leu (NM_001370441.1); c.1880C>T, p.Ser627Leu (NM_001370442.1); short protein forms S504L, S510L, S515L, S627L, S678L, S679L, S684L, S685L.
Identifiers: ClinVar variation 1163389 (VCV001163389.6), dbSNP rs1244227952, ClinGen allele CA396055151.
Genomic context (GRCh38, chr16:57,663,554, plus strand): 5'-CCCGGGGTGGCCCCTCCCCTCTGAAGAGCAACTCAGACAGCGCCAGGCTCCCCATCAGCT[C>T]GGGCAGCACCTCGTCCAGCCGCATCTAGGCCTCCAGCCCACCTGCCCATGTGATGAAGCA-3'
Protein context (NP_958933.1, residues 669-687): NSDSARLPIS[Ser679Leu]GSTSSSRI